The following is an entry in ClinVar:

NM_001458.5(FLNC):c.2621G>A (p.Gly874Asp)

Gene: FLNC (filamin C; plus strand). Cytogenetic location: 7q32.1.
Variant type: single nucleotide variant.
Coding change: c.2621G>A on transcript NM_001458.5 (MANE Select); coding-DNA position 2621, G replaced by A.
Protein change: p.Gly874Asp; replaces glycine 874 with aspartic acid.
Molecular consequence: missense variant.
Genome position (GRCh38, 1-based): chr7:128,843,299, G>A. VCF-style: chr7-128843299-G-A. GRCh37 (hg19) VCF-style: chr7-128483353-G-A.
Other names: c.2621G>A, p.Gly874Asp (NM_001127487.2); short protein forms G874D.
Identifiers: ClinVar variation 1376845 (VCV001376845.8), dbSNP rs2128935929, ClinGen allele CA369192564.

ClinVar aggregate classification (germline): Uncertain significance. Review status: criteria provided, multiple submitters, no conflicts (2 of 4 stars). 2 submissions from 2 submitters: Uncertain significance (2). Last evaluated 2020-11-26.

Conditions:
Distal myopathy with posterior leg and anterior hand involvement. Also called: WILLIAMS DISTAL MYOPATHY. Identifiers: Orphanet 63273, MedGen C3279722, MONDO:0013550, OMIM 614065.
Hypertrophic cardiomyopathy 26. Also called: Cardiomyopathy, familial hypertrophic, 26. Identifiers: Orphanet 75249, MedGen C4310749, MONDO:0014883, OMIM 617047.
Myofibrillar myopathy 5. Also called: Filaminopathy (type); FILAMINOPATHY, AUTOSOMAL DOMINANT. Identifiers: Orphanet 171445, MedGen C1836050, MONDO:0012289, OMIM 609524.
Dilated Cardiomyopathy, Dominant.

Allele frequency attached by ClinVar (database versions not stated): gnomAD exomes below 0.00001.

Submissions (2):

Labcorp Genetics (formerly Invitae), Labcorp
Classification: Uncertain significance for Distal myopathy with posterior leg and anterior hand involvement; Myofibrillar myopathy 5; Hypertrophic cardiomyopathy 26. Last evaluated: 2020-11-26. Review status: criteria provided, single submitter. Criteria: Invitae Variant Classification Sherloc (09022015). Collection method: clinical testing. Allele origin: germline.
Comment: In summary, the available evidence is currently insufficient to determine the role of this variant in disease. Therefore, it has been classified as a Variant of Uncertain Significance. Algorithms developed to predict the effect of missense changes on protein structure and function are either unavailable or do not agree on the potential impact of this missense change (SIFT: "Deleterious"; PolyPhen-2: "Probably Damaging"; Align-GVGD: "Class C0"). This sequence change replaces glycine with aspartic acid at codon 874 of the FLNC protein (p.Gly874Asp). The glycine residue is moderately conserved and there is a moderate physicochemical difference between glycine and aspartic acid. This variant is not present in population databases (ExAC no frequency). This variant has not been reported in the literature in individuals with FLNC-related conditions.

Blueprint Genetics
Classification: Uncertain significance. Last evaluated: 2019-05-09. Review status: criteria provided, single submitter. Criteria: ACMG Guidelines, 2015. Collection method: clinical testing. Allele origin: germline.